The following is an entry in ClinVar:

NM_004006.3(DMD):c.7105G>A (p.Glu2369Lys)

Gene: DMD (dystrophin; minus strand). Cytogenetic location: Xp21.1.
Variant type: single nucleotide variant.
Coding change: c.7105G>A on transcript NM_004006.3 (MANE Select); coding-DNA position 7105, G replaced by A.
Protein change: p.Glu2369Lys; replaces glutamic acid 2369 with lysine.
Molecular consequence: missense variant. On other transcripts: 5 prime UTR variant (5).
Genome position (GRCh38, 1-based): chrX:31,836,813, C>T on the plus strand (G>A on the coding strand, the complement: DMD is on the minus strand). VCF-style: chrX-31836813-C-T. GRCh37 (hg19) VCF-style: chrX-31854930-C-T.
Other names: c.7081G>A, p.Glu2361Lys (NM_000109.4); c.7093G>A, p.Glu2365Lys (NM_004009.3); c.6736G>A, p.Glu2246Lys (NM_004010.3); c.3082G>A, p.Glu1028Lys (NM_004011.4); c.3073G>A, p.Glu1025Lys (NM_004012.4); c.-276G>A (NM_004013.3, NM_004020.4, NM_004021.3 and 2 more transcripts); short protein forms E1025K, E1028K, E2365K, E2246K, E2361K, E2369K.
Identifiers: ClinVar variation 2986055 (VCV002986055.3), dbSNP rs863225008, ClinGen allele CA412659427.

ClinVar aggregate classification (germline): Uncertain significance (1 of 4 stars; one submission).

Conditions:
Duchenne muscular dystrophy (DMD). Also called: MUSCULAR DYSTROPHY, PSEUDOHYPERTROPHIC PROGRESSIVE, DUCHENNE TYPE; Duchenne Muscular Dystrophy (DMD). Identifiers: Orphanet 98896, MedGen C0013264, MONDO:0010679, OMIM 310200.

Submission:

Labcorp Genetics (formerly Invitae), Labcorp
Classification: Uncertain significance for Duchenne muscular dystrophy. Last evaluated: 2023-06-29. Review status: criteria provided, single submitter. Criteria: Invitae Variant Classification Sherloc (09022015). Collection method: clinical testing. Allele origin: germline.
Comment: This variant has not been reported in the literature in individuals affected with DMD-related conditions. This variant is not present in population databases (gnomAD no frequency). This sequence change replaces glutamic acid, which is acidic and polar, with lysine, which is basic and polar, at codon 2369 of the DMD protein (p.Glu2369Lys). Advanced modeling of protein sequence and biophysical properties (such as structural, functional, and spatial information, amino acid conservation, physicochemical variation, residue mobility, and thermodynamic stability) performed at Invitae indicates that this missense variant is not expected to disrupt DMD protein function. In summary, the available evidence is currently insufficient to determine the role of this variant in disease. Therefore, it has been classified as a Variant of Uncertain Significance.